The following is an entry in ClinVar:

ClinVar aggregate classification (germline): Likely benign. Review status: criteria provided, single submitter (1 of 4 stars). 2 submissions from 2 submitters: Likely benign (1). 1 of the submissions does not count toward it. Last evaluated 2023-01-10.

Conditions:
MTOR-related disorder. Also called: MTOR-related condition.

Allele frequency attached by ClinVar (database versions not stated): gnomAD 0.00001.
gnomAD v4.1: 7 of 1,614,086 alleles (0.00043%); highest among the groups gnomAD compares: South Asian, 0.0022%; no homozygotes.

Submissions (2):

Labcorp Genetics (formerly Invitae), Labcorp
Classification: Likely benign. Last evaluated: 2023-01-10. Review status: criteria provided, single submitter. Criteria: Invitae Variant Classification Sherloc (09022015). Collection method: clinical testing. Allele origin: germline.

PreventionGenetics, part of Exact Sciences
Classification: Likely benign for MTOR-related condition. Last evaluated: 2019-05-13. Review status: no assertion criteria provided. Collection method: clinical testing. Allele origin: germline. Not counted in ClinVar's aggregate classification.
Comment: This variant is classified as likely benign based on ACMG/AMP sequence variant interpretation guidelines (Richards et al. 2015 PMID: 25741868, with internal and published modifications).

NM_004958.4(MTOR):c.7332G>A (p.Thr2444=)

Gene: MTOR (mechanistic target of rapamycin kinase; minus strand). Cytogenetic location: 1p36.22.
Variant type: single nucleotide variant.
Coding change: c.7332G>A on transcript NM_004958.4 (MANE Select); coding-DNA position 7332, G replaced by A.
Protein change: p.Thr2444=; no amino-acid change (threonine 2444 retained).
Molecular consequence: synonymous variant.
Genome position (GRCh38, 1-based): chr1:11,112,886, C>T on the plus strand (G>A on the coding strand, the complement: MTOR is on the minus strand). VCF-style: chr1-11112886-C-T. GRCh37 (hg19) VCF-style: chr1-11172943-C-T.
Other names: c.7332G>A, p.Thr2444= (NM_001386500.1); c.6084G>A, p.Thr2028= (NM_001386501.1).
Identifiers: ClinVar variation 2902700 (VCV002902700.5), dbSNP rs781761289, ClinGen allele CA588870.
Genomic context (GRCh38, chr1:11,112,886, plus strand): 5'-TTGCGACCTCCCGTGGATGCACCTACCGACTGACTGGCCAGCAGAGTAGGAATCCGTCCT[C>T]GTTCGGGATCGCTTGTTGCCTTTGGTATTTGCTAGGGAGAGAAATAAAGAGTATTGAAAC-3'
Protein context (NP_004949.1, residues 2434-2454): TNTKGNKRSR[Thr2444=]RTDSYSAGQS